The following is an entry in ClinVar:

ClinVar aggregate classification (germline): Pathogenic (1 of 4 stars; one submission).

Conditions:
PMM2-congenital disorder of glycosylation. Also called: CDG Ia; JAEKEN SYNDROME; PHOSPHOMANNOMUTASE 2 DEFICIENCY; CARBOHYDRATE-DEFICIENT GLYCOPROTEIN SYNDROME, TYPE Ia; PMM2-CDG; Congenital disorder of glycosylation, type Ia. Identifiers: Orphanet 79318, MedGen C0349653, MONDO:0008907, OMIM 212065.

Submission:

Myriad Genetics, Inc.
Classification: Pathogenic for PMM2-congenital disorder of glycosylation. Last evaluated: 2026-07-17. Review status: criteria provided, single submitter. Criteria: Myriad Autosomal Dominant, Autosomal Recessive and X-Linked Classification Criteria (2023). Collection method: clinical testing. Allele origin: unknown.
Comment: NM_000303.2(PMM2):c.341delA(K114Rfs*14) is expected to be pathogenic in the context of congenital disorder of glycosylation, PMM2-related. This variant is predicted to lead to an abnormal or absent protein product due to the creation of a premature termination codon in PMM2, a gene where loss-of-function variants are known to be pathogenic. Please note: this variant was assessed in the context of healthy population screening.

NM_000303.3(PMM2):c.341del (p.Lys114fs)

Gene: PMM2 (phosphomannomutase 2; plus strand). Cytogenetic location: 16p13.2.
Variant type: Deletion.
Coding change: c.341del on transcript NM_000303.3 (MANE Select); coding-DNA position 341, one base deleted (A; older notation c.341delA).
Protein change: p.Lys114fs; shifts the reading frame from lysine 114.
Molecular consequence: frameshift variant.
Genome position (GRCh38, 1-based): chr16:8,806,401, A deleted; the last of 2 consecutive A bases (chr16:8,806,400-8,806,401); deleting either gives the same sequence. VCF-style (leftmost placement, unchanged base first): chr16-8806399-GA-G. GRCh37 (hg19) VCF-style: chr16-8900256-GA-G.
Other names: short protein forms K114fs.
Identifiers: ClinVar variation 5016139 (VCV005016139.1).